The following is an entry in ClinVar:

ClinVar aggregate classification (germline): Uncertain significance (1 of 4 stars; one submission).

Conditions:
MHC class I deficiency. Identifiers: Orphanet 34592, MedGen C6024714, MONDO:0011476.

Submission:

Labcorp Genetics (formerly Invitae), Labcorp
Classification: Uncertain significance for MHC class I deficiency 1. Last evaluated: 2025-08-12. Review status: criteria provided, single submitter. Criteria: Invitae Variant Classification Sherloc (09022015). Collection method: clinical testing. Allele origin: germline.
Comment: This sequence change replaces alanine, which is neutral and non-polar, with threonine, which is neutral and polar, at codon 434 of the TAPBP protein (p.Ala434Thr). This variant also falls at the last nucleotide of exon 6, which is part of the consensus splice site for this exon. This variant is not present in population databases (gnomAD no frequency). This variant has not been reported in the literature in individuals affected with TAPBP-related conditions. An algorithm developed to predict the effect of missense changes on protein structure and function (PolyPhen-2) suggests that this variant is likely to be disruptive. Variants that disrupt the consensus splice site are a relatively common cause of aberrant splicing (PMID: 17576681, 9536098). Algorithms developed to predict the effect of sequence changes on RNA splicing suggest that this variant may disrupt the consensus splice site. In summary, the available evidence is currently insufficient to determine the role of this variant in disease. Therefore, it has been classified as a Variant of Uncertain Significance.

Literature cited by the submitters: PubMed 17576681; PubMed 9536098.

NM_003190.5(TAPBP):c.1300G>A (p.Ala434Thr)

Gene: TAPBP (TAP binding protein; minus strand). Cytogenetic location: 6p21.32.
Variant type: single nucleotide variant.
Coding change: c.1300G>A on transcript NM_003190.5 (MANE Select); coding-DNA position 1300, G replaced by A.
Protein change: p.Ala434Thr; replaces alanine 434 with threonine.
Molecular consequence: missense variant.
Genome position (GRCh38, 1-based): chr6:33,304,128, C>T on the plus strand (G>A on the coding strand, the complement: TAPBP is on the minus strand). VCF-style: chr6-33304128-C-T. GRCh37 (hg19) VCF-style: chr6-33271905-C-T.
Other names: c.1300G>A, p.Glu434Lys (NM_001410875.1); c.1300G>A, p.Ala434Thr (NM_172208.3); c.1039G>A, p.Ala347Thr (NM_172209.3); short protein forms A347T, A434T, E434K.
Identifiers: ClinVar variation 4725338 (VCV004725338.1).